The following is an entry in ClinVar:

NM_138694.4(PKHD1):c.9262G>A (p.Asp3088Asn)

Gene: PKHD1 (PKHD1 ciliary IPT domain containing fibrocystin/polyductin; minus strand). Cytogenetic location: 6p12.3.
Variant type: single nucleotide variant.
Coding change: c.9262G>A on transcript NM_138694.4 (MANE Select); coding-DNA position 9262, G replaced by A.
Protein change: p.Asp3088Asn; replaces aspartic acid 3088 with asparagine.
Molecular consequence: missense variant.
Genome position (GRCh38, 1-based): chr6:51,748,354, C>T on the plus strand (G>A on the coding strand, the complement: PKHD1 is on the minus strand). VCF-style: chr6-51748354-C-T. GRCh37 (hg19) VCF-style: chr6-51613152-C-T.
Other names: c.9262G>A, p.Asp3088Asn (NM_170724.3); short protein forms D3088N.
Identifiers: ClinVar variation 235711 (VCV000235711.44), dbSNP rs201066635, ClinGen allele CA3851421.

ClinVar aggregate classification (germline): Conflicting classifications of pathogenicity. Review status: criteria provided, conflicting classifications (1 of 4 stars). 6 submissions from 6 submitters: Uncertain significance (4); Likely benign (1). 1 of the submissions does not count toward it. Last evaluated 2026-02-02.

Conditions:
PKHD1-related disorder. Also called: PKHD1-related condition.
Autosomal dominant polycystic liver disease. Also called: Congenital cystic disease of liver; Polycystic liver disease. Identifiers: Orphanet 2924, MedGen C0158683, MONDO:0000447, HP:0006557.
Autosomal recessive polycystic kidney disease (ARPKD). Also called: AR polycystic kidney disease. Identifiers: Orphanet 731, Orphanet 8378, MedGen C0085548, MeSH D017044, MONDO:0009889.

Allele frequency attached by ClinVar (database versions not stated): ExAC 0.00012; gnomAD exomes 0.00012 and 0.00021; TOPMed 0.00012; ESP Exome Variant Server 0.00015; gnomAD 0.00015.
gnomAD v4.1: 315 of 1,614,048 alleles (0.02%); highest among the groups gnomAD compares: Non-Finnish European, 0.026%; no homozygotes.

Submissions (6):

Labcorp Genetics (formerly Invitae), Labcorp
Classification: Likely benign for Autosomal recessive polycystic kidney disease. Last evaluated: 2026-02-02. Review status: criteria provided, single submitter. Criteria: Invitae Variant Classification Sherloc (09022015). Collection method: clinical testing. Allele origin: germline.

PreventionGenetics, part of Exact Sciences
Classification: Uncertain significance for PKHD1-related condition. Last evaluated: 2025-09-16. Review status: criteria provided, single submitter. Criteria: ACMG Guidelines, 2015. Collection method: clinical testing. Allele origin: germline.
Comment: The PKHD1 c.9262G>A variant is predicted to result in the amino acid substitution p.Asp3088Asn. This variant has been reported in an individual with autosomal dominant polycystic kidney disease (ADPKD) which is likely primarily caused by a de novo splicing variant in PKD1 (Izzi et al. 2022. PubMed ID: 35497784). In addition, this variant was also reported and classified in the category of "polymorphisms/sequence variants" (against the pathogenic variants termed "PKHD1 mutations") in a large PKHD1 genetic variant study of patients with autosomal recessive polycystic kidney disease (ARPKD) (Table 2, Bergmann et al. 2004. PubMed ID: 15108277). This variant is reported in 0.024% of alleles in individuals of European (Non-Finnish) descent in gnomAD. At this time, the clinical significance of this variant is uncertain due to the absence of conclusive functional and genetic evidence.

GeneDx
Classification: Uncertain significance. Last evaluated: 2024-05-29. Review status: criteria provided, single submitter. Criteria: GeneDx Variant Classification Process June 2021. Collection method: clinical testing. Allele origin: germline. Affected: yes.
Comment: Reported with a second PKHD1 variant in trans in an individual with polycystic kidney disease, end stage renal disease, and liver enlargement who harbored a de novo PKD1 variant in published literature (PMID: 35497784); In silico analysis indicates that this missense variant does not alter protein structure/function; This variant is associated with the following publications: (PMID: 35497784, 15698423)

Illumina Laboratory Services, Illumina
Classification: Uncertain significance for Polycystic kidney disease 4. Last evaluated: 2017-04-27. Review status: criteria provided, single submitter. Criteria: ICSL Variant Classification Criteria 13 December 2019. Collection method: clinical testing. Allele origin: germline.
Comment: This variant was observed as part of a predisposition screen in an ostensibly healthy population. A literature search was performed for the gene, cDNA change, and amino acid change (where applicable). Publications were found based on this search. However, the evidence from the literature, in combination with allele frequency data from public databases where available, was not sufficient to rule this variant in or out of causing disease. Therefore, this variant is classified as a variant of unknown significance.

Center for Pediatric Genomic Medicine, Children's Mercy Hospital and Clinics
Classification: Uncertain significance. Last evaluated: 2016-01-27. Review status: criteria provided, single submitter. Criteria: ACMG Guidelines, 2015. Collection method: clinical testing. Allele origin: germline.
ClinVar note: Converted during submission from Uncertain Significance to Uncertain significance.

Laboratory of Gastroenterology and Hepatology, Radboud University Medical Center
Classification: Uncertain significance for Autosomal dominant polycystic liver disease. Last evaluated: 2021-09-01. Review status: no assertion criteria provided. Collection method: research. Allele origin: germline. Affected: yes. Not counted in ClinVar's aggregate classification.

Literature cited by the submitters: PubMed 15108277 (cited by Illumina Laboratory Services, Illumina).